The following is an entry in ClinVar:

NM_004064.5(CDKN1B):c.581G>A (p.Arg194Lys)

Gene: CDKN1B (cyclin dependent kinase inhibitor 1B; plus strand). Cytogenetic location: 12p13.1.
Variant type: single nucleotide variant.
Coding change: c.581G>A on transcript NM_004064.5 (MANE Select); coding-DNA position 581, G replaced by A.
Protein change: p.Arg194Lys; replaces arginine 194 with lysine.
Molecular consequence: missense variant.
Genome position (GRCh38, 1-based): chr12:12,718,930, G>A. VCF-style: chr12-12718930-G-A. GRCh37 (hg19) VCF-style: chr12-12871864-G-A.
Other names: short protein forms R194K.
Identifiers: ClinVar variation 2450779 (VCV002450779.3), dbSNP rs2497407740, ClinGen allele CA383973181.

ClinVar aggregate classification (germline): Uncertain significance (1 of 4 stars; one submission).

Conditions:
Hereditary cancer-predisposing syndrome. Also called: Neoplastic Syndromes, Hereditary; Tumor predisposition; Hereditary neoplastic syndrome; Hereditary Cancer Syndrome. Identifiers: Orphanet 140162, MedGen C0027672, MeSH D009386, MONDO:0015356.

Submission:

Ambry Genetics
Classification: Uncertain significance for Hereditary cancer-predisposing syndrome. Last evaluated: 2025-10-29. Review status: criteria provided, single submitter. Criteria: Ambry Variant Classification Scheme 2023. Collection method: clinical testing. Allele origin: germline.
Comment: The p.R194K variant (also known as c.581G>A), located in coding exon 2 of the CDKN1B gene, results from a G to A substitution at nucleotide position 581. The arginine at codon 194 is replaced by lysine, an amino acid with highly similar properties. This amino acid position is well conserved in available vertebrate species. In addition, this alteration is predicted to be tolerated by in silico analysis. Since supporting evidence is limited at this time, the clinical significance of this alteration remains unclear.